The following is an entry in ClinVar:

ClinVar aggregate classification (germline): Pathogenic. Review status: reviewed by expert panel (3 of 4 stars). 49 submissions from 45 submitters: Pathogenic (1). 48 of the submissions do not count toward it. Last evaluated 2023-02-25.
ClinVar aggregate classification (oncogenicity): Oncogenic. Review status: criteria provided, single submitter (1 of 4 stars). 2 submissions from 2 submitters. 1 of the submissions does not count toward it. Last evaluated 2025-03-04.

Conditions:
Colorectal cancer. Also called: Colorectal cancer, somatic; Malignant Colorectal Neoplasm. Identifiers: MedGen C0346629, MONDO:0005575, OMIM 114500.
Gastric cancer. Also called: Malignant tumor of stomach; Stomach cancer. Identifiers: MedGen C0024623, MeSH D013274, MONDO:0001056, OMIM 613659, HP:0012126.
Desmoid disease, hereditary (DESMD). Also called: FIBROMATOSIS, FAMILIAL INFILTRATIVE. Identifiers: Orphanet 873, MedGen C1851124, OMIM 135290. Disease mechanism: loss of function.
Hepatocellular carcinoma (HCC). Also called: Primary carcinoma of liver; HEPATOMA; LIVER CELL CARCINOMA. Identifiers: Orphanet 88673, MedGen C2239176, MONDO:0007256, OMIM 114550, HP:0001402.
Gastric adenocarcinoma and proximal polyposis of the stomach (GAPPS). Also called: Polyposis, gastric, Dos Santos and de Magalhaes 1980; POLYPOSIS, GASTRIC; Gastric Adenocarcinoma and Proximal Polyposis of the Stomach (GAPPS). Identifiers: Orphanet 314022, MedGen C4749917, MONDO:0017790, OMIM 619182.
Familial adenomatous polyposis 1 (FAP1). Also called: FAMILIAL ADENOMATOUS POLYPOSIS 1, ATTENUATED; POLYPOSIS, ADENOMATOUS INTESTINAL. Identifiers: MedGen C2713442, MONDO:0021056, OMIM 175100. Disease mechanism: loss of function.
Classic or attenuated familial adenomatous polyposis. Identifiers: MedGen CN372698, MONDO:0021057.
APC-related disorder. Also called: APC-related condition.
Intestinal polyp. Also called: Intestinal polyp (disease). Identifiers: MedGen C0021846, MONDO:0005288, HP:0005266.
Hyperplastic colonic polyposis. Identifiers: MedGen C4023010, HP:0012183.
Duodenal polyposis. Identifiers: MedGen C0578477, HP:0004783.
Gastric polyposis. Also called: Multiple gastric polyps; Stomach polyp. Identifiers: MedGen C0236048, MONDO:0008277, HP:0004394.
Adenomatous colonic polyposis. Identifiers: MedGen C1868071, HP:0005227.
Hereditary cancer-predisposing syndrome. Also called: Hereditary neoplastic syndrome; Hereditary Cancer Syndrome; Neoplastic Syndromes, Hereditary; Tumor predisposition. Identifiers: Orphanet 140162, MedGen C0027672, MeSH D009386, MONDO:0015356.
Familial multiple polyposis syndrome (FAP). Also called: Familial polyposis; Familial adenomatous polyposis; Familial intestinal polyposis; Classic familial adenomatous polyposis; Familial Adenomatous Polyposis (FAP). Identifiers: Orphanet 733, MedGen C0032580, MONDO:0021055. Disease mechanism: loss of function.
Colon adenocarcinoma. Also called: Adenocarcinoma of the colon; Colonic adenocarcinoma. Identifiers: MedGen C0338106, MONDO:0002271, HP:0040276.
Carcinoma of colon (CRC). Also called: Colon carcinoma; Colonic carcinoma. Identifiers: MedGen C0699790, MONDO:0002032.
Gardner syndrome (GS). Also called: Gardner's syndrome; Polyposis coli and multiple hard and soft tissue tumors; Intestinal polyposis, osteomas, sebaceous cysts. Identifiers: MedGen C0017097, MONDO:0019336. Disease mechanism: loss of function.
ADENOMATOUS POLYPOSIS COLI WITH CONGENITAL CHOLESTEATOMA. Identifiers: MedGen C2673229.
Neoplasm. Also called: Neoplasms; Neoplasm (disease); tumor. Identifiers: MedGen C0027651, MeSH D009369, MONDO:0005070, HP:0002664.

Submissions 1 to 6 of 51:

ClinGen InSiGHT Hereditary Colorectal Cancer/Polyposis Variant Curation Expert Panel
Classification: Pathogenic for Familial adenomatous polyposis 1. Last evaluated: 2023-02-25. Review status: reviewed by expert panel. Criteria: ClinGen InSiGHT HCCP VCEP ACMG Specifications APC V1. Collection method: curation. Allele origin: germline. Inheritance: Autosomal dominant inheritance.
Comment: The c.3927_3931del (p.Glu1309Aspfs*4) variant in APC is a variant predicted to cause a premature stop codon in exon 16 in a gene in which loss-of-function is an established disease mechanism (PVS1). This variant has been reported in more than 400 probands, resulting in a total phenotype score of 33 (PS4_VeryStrong, GeneDx, Ambry, Invitae, Catalan Institute of Oncology, University Hospital of Bonn, Leiden University Medical Center internal data). It has also been identified as a de novo occurrence with unconfirmed parental relationships in 63 individuals on LOVD and in 4 individuals from Barcelona internal data, the total points scored based on available phenotypic information is 17.5 (PM6_VeryStrong, LOVD, Catalan Institute of Oncology internal data). The highest allele frequency of this variant gnomAD v2.1.1 (non-cancer) is 0.000008456, which is higher than the ClinGen InSiGHT Hereditary Colorectal Cancer/Polyposis Variant Curation Expert Panel (HCCP VCEP) threshold of 0.000003 for PM2_Supporting (PM2_Supporting not met) and lower than the threshold (0.00001) for BS1 (BS1 not met). It is the most common pathogenic APC variant in APC InSiGHT LOVD (331 / 5700 = 5.8%; retrieved on 06/01/2023), thus the occurrence in gnomAD is compatible with a pathogenic variant. In summary, this variant meets the criteria to be classified as Pathogenic for FAP based on the ACMG/AMP criteria applied, as specified by the HCCP VCEP: PVS1, PS4_VeryStrong, and PM6_VeryStrong (VCEP specifications version 1; date of approval: 12/12/2022).

CeGaT Center for Human Genetics Tuebingen
Classification: Pathogenic. Last evaluated: 2026-10-01. Review status: criteria provided, single submitter. Criteria: CeGaT Center For Human Genetics Tuebingen Variant Classification Criteria Version 2. Collection method: clinical testing. Allele origin: germline. Affected: yes. Observed: 3 variant alleles. Not counted in ClinVar's aggregate classification.
Comment: APC: PS4, PVS1:Strong, PM2

Labcorp Genetics (formerly Invitae), Labcorp
Classification: Pathogenic for Familial adenomatous polyposis 1. Last evaluated: 2026-01-27. Review status: criteria provided, single submitter. Criteria: Invitae Variant Classification Sherloc (09022015). Collection method: clinical testing. Allele origin: germline. Not counted in ClinVar's aggregate classification.
Comment: This sequence change creates a premature translational stop signal (p.Glu1309Aspfs*4) in the APC gene. While this is not anticipated to result in nonsense mediated decay, it is expected to disrupt the last 1535 amino acid(s) of the APC protein. This variant is present in population databases (rs763847228, gnomAD 0.002%). This premature translational stop signal has been observed in individuals with familial adenomatous polyposis (FAP), and is one of the most frequently observed APC pathogenic variant in patients with FAP (PMID: 1316610, 20223039, 23159591, 24664542). ClinVar contains an entry for this variant (Variation ID: 816). This variant is expected to disrupt the EB1 and HDLG binding sites, which mediate interactions with the cytoskeleton (PMID: 15311282, 17293347). While functional studies have not been performed to directly test the effect on APC protein function, this suggests that disruption of the C-terminal portion of the protein is functionally important. A different truncation (p.Tyr2645Lysfs*14) that lies downstream of this variant has been determined to be pathogenic (PMID: 9824584, 1316610, 27081525, 8381579, 22135120, internal data). This suggests that deletion of this region of the APC protein is causative of disease. For these reasons, this variant has been classified as Pathogenic.

Biotechnology, Institute of Science, Nirma University
Classification: Pathogenic for Familial adenomatous polyposis 1. Last evaluated: 2025-09-15. Review status: criteria provided, single submitter. Criteria: ACMG Guidelines, 2015. Collection method: research. Allele origin: germline. Affected: yes. Observed: 1 heterozygote. Segregation with disease observed. Not counted in ClinVar's aggregate classification.
Comment: The variant is present in exon 16 of the APC gene, that leads to a frameshift, and consequent premature termination of protein. The protein is predicted to have 1314 amino acids instead of the original 2843. The variant has been reported in dbSNP and ClinVar databases, in cases of FAP and Gardner syndrome. The population frequency of the variant is <0.01% in gnomAD. The ACMG criteria PVS1, PS4, and PM2 are met; hence, this variant has been classified as pathogenic.

Institute of Human Genetics, FAU Erlangen, Friedrich-Alexander-Universität Erlangen-Nürnberg
Classification: Pathogenic. Last evaluated: 2025-07-18. Review status: criteria provided, single submitter. Criteria: Hauer et al. (Genet Med. 2018). Collection method: clinical testing. Allele origin: germline. Inheritance: Unknown mechanism. Affected: yes. Observed: 1 variant allele. Not counted in ClinVar's aggregate classification.
Comment: This variant has been identified by standard clinical testing.

Foundation for Research in Genetics and Endocrinology, FRIGE's Institute of Human Genetics
Classification: Pathogenic for Familial adenomatous polyposis 1. Last evaluated: 2025-07-05. Review status: criteria provided, single submitter. Criteria: ACMG Guidelines, 2015. Collection method: clinical testing. Allele origin: germline. Inheritance: Autosomal dominant inheritance. Affected: yes. Observed: 1 heterozygote. Not counted in ClinVar's aggregate classification.
Comment: A heterozygous five base pair deletion in exon 16 of the APC gene that results in a frameshift and premature truncation of the protein 4 amino acids downstream to codon 1309 (p.Glu1309AspfsTer4) was detected. The p.Glu1309AspfsTer4 variant has not been reported in the 1000 genomes and gnomAD (v3.1) databases and has a minor allele frequency of 0.0008% in the gnomAD (v2.1) databases. The in-silico prediction of the variant is damaging by Mutation Taster2 tool. The reference region is conserved in mammals. In summary, the variant meets our criteria to be classified as pathogenic.

NM_000038.6(APC):c.3927_3931del (p.Glu1309fs)

Gene: APC (APC regulator of Wnt signaling pathway; plus strand). Cytogenetic location: 5q22.2.
Variant type: Microsatellite.
Coding change: c.3927_3931del on transcript NM_000038.6 (MANE Select); coding-DNA positions 3927 to 3931, 5 bases deleted (AAAGA; older notation c.3927_3931delAAAGA).
Protein change: p.Glu1309fs; shifts the reading frame from glutamic acid 1309.
Molecular consequence: frameshift variant.
Genome position (GRCh38, 1-based): chr5:112,839,521-112,839,525, AAAGA deleted; deleting any 5 consecutive bases within chr5:112,839,515-112,839,525 gives the same sequence; the c. name uses the placement nearest the transcript's 3' end. VCF-style (leftmost placement, unchanged base first): chr5-112839514-TAAAAG-T. GRCh37 (hg19) VCF-style: chr5-112175211-TAAAAG-T.
Other names: NM_000038.6(APC):c.3927_3931del; p.Glu1309fs; p.Glu1309AspfsTer4; c.3927_3931del, p.Glu1309fs (NM_001127510.3, NM_001354895.2); c.3873_3877del, p.Glu1291fs (NM_001127511.3); c.3981_3985del, p.Glu1327fs (NM_001354896.2); c.3957_3961del, p.Glu1319fs (NM_001354897.2); c.3852_3856del, p.Glu1284fs (NM_001354898.2); and 9 more; short protein forms E1149fs, E1208fs, E1250fs, E1268fs, E1319fs, E1026fs, E1183fs, E1291fs.
Identifiers: ClinVar variation 816 (VCV000000816.93), dbSNP rs121913224, ClinGen allele CA008769.
Genomic context (GRCh38, chr5:112,839,514, plus strand): 5'-TAGGATGTAATCAGACGACACAGGAAGCAGATTCTGCTAATACCCTGCAAATAGCAGAAA[TAAAAG>T]AAAAGATTGGAACTAGGTCAGCTGAAGATCCTGTGAGCGAAGTTCCAGCAGTGTCACAGC-3'